The following is an entry in ClinVar:

NM_001005242.3(PKP2):c.2339C>T (p.Ala780Val)

Gene: PKP2 (plakophilin 2; minus strand). Cytogenetic location: 12p11.21.
Variant type: single nucleotide variant.
Coding change: c.2339C>T on transcript NM_001005242.3 (MANE Select); coding-DNA position 2339, C replaced by T.
Protein change: p.Ala780Val; replaces alanine 780 with valine.
Molecular consequence: missense variant. On other transcripts: intron variant (2).
Genome position (GRCh38, 1-based): chr12:32,796,127, G>A on the plus strand (C>T on the coding strand, the complement: PKP2 is on the minus strand). VCF-style: chr12-32796127-G-A. GRCh37 (hg19) VCF-style: chr12-32949061-G-A.
Other names: c.2174C>T, p.Ala725Val (NM_001407156.1); c.2012C>T, p.Ala671Val (NM_001407158.1, NM_001407159.1); c.2471C>T, p.Ala824Val (NM_004572.4); c.2168-3396C>T (NM_001407155.1); c.1841-3396C>T (NM_001407160.1); short protein forms A824V, A725V, A780V, A671V.
Identifiers: ClinVar variation 4778504 (VCV004778504.1).

ClinVar aggregate classification (germline): Uncertain significance (1 of 4 stars; one submission).

Conditions:
Arrhythmogenic right ventricular dysplasia 9 (ARVD9). Also called: Arrhythmogenic Right Ventricular Dysplasia/Cardiomyopathy 9; ARRHYTHMOGENIC RIGHT VENTRICULAR DYSPLASIA, FAMILIAL, 9. Identifiers: MedGen C1836906, MONDO:0012180, OMIM 609040.

Submission:

Labcorp Genetics (formerly Invitae), Labcorp
Classification: Uncertain significance for Arrhythmogenic right ventricular dysplasia 9. Last evaluated: 2025-07-09. Review status: criteria provided, single submitter. Criteria: Invitae Variant Classification Sherloc (09022015). Collection method: clinical testing. Allele origin: germline.
Comment: This sequence change replaces alanine, which is neutral and non-polar, with valine, which is neutral and non-polar, at codon 824 of the PKP2 protein (p.Ala824Val). This variant is not present in population databases (gnomAD no frequency). This variant has not been reported in the literature in individuals affected with PKP2-related conditions. An algorithm developed to predict the effect of missense changes on protein structure and function (PolyPhen-2) suggests that this variant is likely to be tolerated. In summary, the available evidence is currently insufficient to determine the role of this variant in disease. Therefore, it has been classified as a Variant of Uncertain Significance.